The following is an entry in ClinVar:

ClinVar aggregate classification (germline): Likely benign. Review status: criteria provided, multiple submitters, no conflicts (2 of 4 stars). 2 submissions from 2 submitters: Likely benign (2). Last evaluated 2025-08-04.

Conditions:
Seizures, benign familial infantile, 3 (BFIS3). Also called: Familial neonatal seizures; CONVULSIONS, BENIGN FAMILIAL INFANTILE, 3. Identifiers: Orphanet 140927, Orphanet 306, MedGen C1843140, MONDO:0011904, OMIM 607745.
Developmental and epileptic encephalopathy, 11 (DEE11). Also called: Early infantile epileptic encephalopathy 11. Identifiers: Orphanet 1934, MedGen C3150987, MONDO:0013388, OMIM 613721.

Allele frequency attached by ClinVar (database versions not stated): gnomAD exomes below 0.00001 and 0.00001.
gnomAD v4.1: 3 of 1,614,008 alleles (0.00019%); highest among the groups gnomAD compares: Non-Finnish European, 0.00025%; no homozygotes.

Submissions (2):

Labcorp Genetics (formerly Invitae), Labcorp
Classification: Likely benign for Seizures, benign familial infantile, 3; Developmental and epileptic encephalopathy, 11. Last evaluated: 2025-08-04. Review status: criteria provided, single submitter. Criteria: Invitae Variant Classification Sherloc (09022015). Collection method: clinical testing. Allele origin: germline.

GeneDx
Classification: Likely benign. Last evaluated: 2017-06-28. Review status: criteria provided, single submitter. Criteria: GeneDx Variant Classification (06012015). Collection method: clinical testing. Allele origin: germline. Affected: yes.
Comment: This variant is considered likely benign or benign based on one or more of the following criteria: it is a conservative change, it occurs at a poorly conserved position in the protein, it is predicted to be benign by multiple in silico algorithms, and/or has population frequency not consistent with disease.

NM_001040142.2(SCN2A):c.3702G>A (p.Gln1234=)

Gene: SCN2A (sodium voltage-gated channel alpha subunit 2; plus strand). Cytogenetic location: 2q24.3.
Variant type: single nucleotide variant.
Coding change: c.3702G>A on transcript NM_001040142.2 (MANE Select); coding-DNA position 3702, G replaced by A.
Protein change: p.Gln1234=; no amino-acid change (glutamine 1234 retained).
Molecular consequence: synonymous variant.
Genome position (GRCh38, 1-based): chr2:165,370,152, G>A. VCF-style: chr2-165370152-G-A. GRCh37 (hg19) VCF-style: chr2-166226662-G-A.
Other names: c.3702G>A, p.Gln1234= (NM_001040143.2, NM_001371246.1, NM_001371247.1 and 1 more transcripts).
Identifiers: ClinVar variation 507201 (VCV000507201.9), dbSNP rs1198199936, ClinGen allele CA429886216.